The following is an entry in ClinVar:

NM_001034850.3(RETREG1):c.992C>T (p.Thr331Ile)

Gene: RETREG1 (reticulophagy regulator 1; minus strand). Cytogenetic location: 5p15.1.
Variant type: single nucleotide variant.
Coding change: c.992C>T on transcript NM_001034850.3 (MANE Select); coding-DNA position 992, C replaced by T.
Protein change: p.Thr331Ile; replaces threonine 331 with isoleucine.
Molecular consequence: missense variant.
Genome position (GRCh38, 1-based): chr5:16,477,670, G>A on the plus strand (C>T on the coding strand, the complement: RETREG1 is on the minus strand). VCF-style: chr5-16477670-G-A. GRCh37 (hg19) VCF-style: chr5-16477779-G-A.
Other names: c.569C>T, p.Thr190Ile (NM_019000.5); short protein forms T190I, T331I.
Identifiers: ClinVar variation 1004512 (VCV001004512.8), dbSNP rs762417636, ClinGen allele CA3210274.
Genomic context (GRCh38, chr5:16,477,670, plus strand): 5'-ATAGTTTTGTATGCACTCATAAAAATAAATGTCTCCAGAAATATTAGCATACCATCAGAA[G>A]TGTCTGTCTGTGGAGTGTATCCTTCTGAAAGGTTGAAGGTCCCATTATCAGTCCAGGATA-3'
Protein context (NP_001030022.1, residues 321-341): LSEGYTPQTD[Thr331Ile]SDDLDRPSEE

ClinVar aggregate classification (germline): Uncertain significance (1 of 4 stars; one submission).

Allele frequency attached by ClinVar (database versions not stated): gnomAD exomes below 0.00001; ExAC 0.00001.
gnomAD v4.1: 1 of 1,612,976 alleles (0.000062%); highest among the groups gnomAD compares: Non-Finnish European, 0.000085%; no homozygotes.

Submission:

Labcorp Genetics (formerly Invitae), Labcorp
Classification: Uncertain significance. Last evaluated: 2020-02-12. Review status: criteria provided, single submitter. Criteria: Invitae Variant Classification Sherloc (09022015). Collection method: clinical testing. Allele origin: germline.
Comment: This sequence change replaces threonine with isoleucine at codon 331 of the FAM134B protein (p.Thr331Ile). The threonine residue is highly conserved and there is a moderate physicochemical difference between threonine and isoleucine. This variant is present in population databases (rs762417636, ExAC 0.002%). This variant has not been reported in the literature in individuals with FAM134B-related disease. Algorithms developed to predict the effect of missense changes on protein structure and function do not agree on the potential impact of this missense change (SIFT: "Deleterious"; PolyPhen-2: "Possibly Damaging"; Align-GVGD: "Class C15"). In summary, the available evidence is currently insufficient to determine the role of this variant in disease. Therefore, it has been classified as a Variant of Uncertain Significance.